The following is an entry in ClinVar:

ClinVar aggregate classification (germline): Conflicting classifications of pathogenicity. Review status: criteria provided, conflicting classifications (1 of 4 stars). 2 submissions from 2 submitters: Uncertain significance (1); Likely benign (1). Last evaluated 2025-12-18.

Conditions:
KMT2D-related disorder. Also called: KMT2D-Related Disorders.
Kabuki syndrome. Also called: Kabuki make-up syndrome; NIIKAWA-KUROKI SYNDROME. Identifiers: Orphanet 2322, MedGen C0796004, MONDO:0016512.

gnomAD v4.1: 3 of 1,553,892 alleles (0.00019%); highest among the groups gnomAD compares: African/African-American, 0.0041%; no homozygotes.

Submissions (2):

Labcorp Genetics (formerly Invitae), Labcorp
Classification: Likely benign for Kabuki syndrome. Last evaluated: 2025-12-18. Review status: criteria provided, single submitter. Criteria: Invitae Variant Classification Sherloc (09022015). Collection method: clinical testing. Allele origin: germline.

PreventionGenetics, part of Exact Sciences
Classification: Uncertain significance for KMT2D-related condition. Last evaluated: 2025-01-02. Review status: criteria provided, single submitter. Criteria: ACMG Guidelines, 2015. Collection method: clinical testing. Allele origin: germline.
Comment: The KMT2D c.11921A>C variant is predicted to result in the amino acid substitution p.Gln3974Pro. To our knowledge, this variant has not been reported in the literature. This variant is reported in 0.0058% of alleles in individuals of African descent in gnomAD. At this time, the clinical significance of this variant is uncertain due to the absence of conclusive functional and genetic evidence.

NM_003482.4(KMT2D):c.11921A>C (p.Gln3974Pro)

Gene: KMT2D (lysine methyltransferase 2D; minus strand). Cytogenetic location: 12q13.12.
Variant type: single nucleotide variant.
Coding change: c.11921A>C on transcript NM_003482.4 (MANE Select); coding-DNA position 11921, A replaced by C.
Protein change: p.Gln3974Pro; replaces glutamine 3974 with proline.
Molecular consequence: missense variant.
Genome position (GRCh38, 1-based): chr12:49,032,784, T>G on the plus strand (A>C on the coding strand, the complement: KMT2D is on the minus strand). VCF-style: chr12-49032784-T-G. GRCh37 (hg19) VCF-style: chr12-49426567-T-G.
Other names: short protein forms Q3974P.
Identifiers: ClinVar variation 3704315 (VCV003704315.3).
Genomic context (GRCh38, chr12:49,032,784, plus strand): 5'-TGCTGCTGCTGTTGTTGCTGAGGAGACAGTAAAGTTCGACTCTGGTTTAAAAGGCCCATC[T>G]GCTGCTGTTGCTGCTGCTGTTGAAACTGCTGCTGTTGTTGTTGCTGTTGCTGTTGTAGCT-3'
Protein context (NP_003473.3, residues 3964-3984): QQFQQQQQQQ[Gln3974Pro]MGLLNQSRTL